The following is an entry in ClinVar:

ClinVar aggregate classification (germline): Uncertain significance (1 of 4 stars; one submission).

Submission:

GeneDx
Classification: Uncertain significance. Last evaluated: 2017-02-15. Review status: criteria provided, single submitter. Criteria: GeneDx Variant Classification (06012015). Collection method: clinical testing. Allele origin: germline. Affected: yes.
Comment: The G215A variant in the HNRNPDL gene has not been reported previously as a pathogenic variant, nor as a benign variant, to our knowledge. The G215A variant is not observed in large population cohorts (Lek et al., 2016; 1000 Genomes Consortium et al., 2015; Exome Variant Server). The G215A variant is a conservative amino acid substitution, which is not likely to impact secondary protein structure as these residues share similar properties. However, this substitution occurs at a position that is conserved across species, and in silico analysis predicts this variant is probably damaging to the protein structure/function. We interpret G215A as a variant of uncertain significance.

NM_031372.4(HNRNPDL):c.644G>C (p.Gly215Ala)

Gene: HNRNPDL (heterogeneous nuclear ribonucleoprotein D like; minus strand). Cytogenetic location: 4q21.22.
Variant type: single nucleotide variant.
Coding change: c.644G>C on transcript NM_031372.4 (MANE Select); coding-DNA position 644, G replaced by C.
Protein change: p.Gly215Ala; replaces glycine 215 with alanine.
Molecular consequence: missense variant. On other transcripts: non-coding transcript variant (1).
Genome position (GRCh38, 1-based): chr4:82,428,148, C>G on the plus strand (G>C on the coding strand, the complement: HNRNPDL is on the minus strand). VCF-style: chr4-82428148-C-G. GRCh37 (hg19) VCF-style: chr4-83349301-C-G.
Other names: c.644G>C, p.Gly215Ala (NM_001207000.1); short protein forms G215A.
Identifiers: ClinVar variation 423441 (VCV000423441.2), dbSNP rs1064796428, ClinGen allele CA16618057.
Genomic context (GRCh38, chr4:82,428,148, plus strand): 5'-ACCTTTTTGGGAGGTTCTTTCCCTTTTAAAGCTTTGGCCCTTTTGGGATCTATCAATTTG[C>G]CATCCAGTTTGTGTTCTTTCAGTTCCAAAACCTACAAGACAGATTTATTTAATCTGACAG-3'
Protein context (NP_112740.1, residues 205-225): VLELKEHKLD[Gly215Ala]KLIDPKRAKA